The following is an entry in ClinVar:

ClinVar aggregate classification (germline): Uncertain significance. Review status: criteria provided, multiple submitters, no conflicts (2 of 4 stars). 2 submissions from 2 submitters: Uncertain significance (2). Last evaluated 2025-06-25.

Conditions:
Lethal multiple pterygium syndrome (LMPS). Identifiers: Orphanet 33108, MedGen C1854678, MONDO:0009668, OMIM 253290.
Inborn genetic diseases. Identifiers: MedGen C0950123, MeSH D030342.

Allele frequency attached by ClinVar (database versions not stated): gnomAD exomes below 0.00001; TOPMed 0.00001; gnomAD 0.00003.

Submissions (2):

Ambry Genetics
Classification: Uncertain significance for Inborn genetic diseases. Last evaluated: 2025-06-25. Review status: criteria provided, single submitter. Criteria: Ambry Variant Classification Scheme 2023. Collection method: clinical testing. Allele origin: germline.

Labcorp Genetics (formerly Invitae), Labcorp
Classification: Uncertain significance for Lethal multiple pterygium syndrome. Last evaluated: 2023-09-29. Review status: criteria provided, single submitter. Criteria: Invitae Variant Classification Sherloc (09022015). Collection method: clinical testing. Allele origin: germline.
Comment: In summary, the available evidence is currently insufficient to determine the role of this variant in disease. Therefore, it has been classified as a Variant of Uncertain Significance. Advanced modeling of protein sequence and biophysical properties (such as structural, functional, and spatial information, amino acid conservation, physicochemical variation, residue mobility, and thermodynamic stability) performed at Invitae indicates that this missense variant is not expected to disrupt CHRND protein function. This variant has not been reported in the literature in individuals affected with CHRND-related conditions. This variant is present in population databases (no rsID available, gnomAD 0.02%). This sequence change replaces valine, which is neutral and non-polar, with methionine, which is neutral and non-polar, at codon 258 of the CHRND protein (p.Val258Met).

NM_000751.3(CHRND):c.772G>A (p.Val258Met)

Gene: CHRND (cholinergic receptor nicotinic delta subunit; plus strand). Cytogenetic location: 2q37.1.
Variant type: single nucleotide variant.
Coding change: c.772G>A on transcript NM_000751.3 (MANE Select); coding-DNA position 772, G replaced by A.
Protein change: p.Val258Met; replaces valine 258 with methionine.
Molecular consequence: missense variant. On other transcripts: intron variant (1).
Genome position (GRCh38, 1-based): chr2:232,530,091, G>A. VCF-style: chr2-232530091-G-A. GRCh37 (hg19) VCF-style: chr2-233394801-G-A.
Other names: c.772G>A (NM_000751.1); c.727G>A, p.Val243Met (NM_001256657.2); c.469G>A, p.Val157Met (NM_001311196.2); c.239-1261G>A (NM_001311195.2); short protein forms V157M, V243M, V258M.
Identifiers: ClinVar variation 2750105 (VCV002750105.4), dbSNP rs1382082125, ClinGen allele CA351000985.